The following is an entry in ClinVar:

NM_001383.6(DPH1):c.624_625dup (p.Gly209fs)

Gene: DPH1 (diphthamide biosynthesis 1; plus strand). Cytogenetic location: 17p13.3.
Variant type: Duplication.
Coding change: c.624_625dup on transcript NM_001383.6 (MANE Select); coding-DNA positions 624 to 625, 2 bases duplicated (TG; older notation c.624_625dupTG).
Protein change: p.Gly209fs; shifts the reading frame from glycine 209.
Molecular consequence: frameshift variant. On other transcripts: non-coding transcript variant (3).
Genome position (GRCh38, 1-based): chr17:2,036,900-2,036,901, TG duplicated. VCF-style (leftmost placement, unchanged base first): chr17-2036899-C-CTG. GRCh37 (hg19) VCF-style: chr17-1940193-C-CTG.
Other names: c.639_640dup, p.Gly214fs (NM_001346574.1); c.606_607dup, p.Gly203fs (NM_001346575.1); c.219_220dup, p.Gly74fs (NM_001346576.2); short protein forms G203fs, G209fs, G214fs, G74fs.
Identifiers: ClinVar variation 4993082 (VCV004993082.1).

ClinVar aggregate classification (germline): Likely pathogenic (1 of 4 stars; one submission).

Conditions:
DPH1-related disorder. Also called: DPH1-related condition.

Submission:

PreventionGenetics, part of Exact Sciences
Classification: Likely pathogenic for DPH1-related condition. Last evaluated: 2026-02-19. Review status: criteria provided, single submitter. Criteria: ACMG Guidelines, 2015. Collection method: clinical testing. Allele origin: germline.
Comment: The DPH1 c.639_640dupTG variant is predicted to result in a frameshift and premature protein termination (p.Gly214Valfs*33). To our knowledge, this variant has not been reported in the literature or in a large population database (gnomAD), indicating this variant is rare. Frameshift variants in DPH1 are expected to be pathogenic. This variant is interpreted as likely pathogenic.